The following is an entry in ClinVar:

NM_012418.4(FSCN2):c.1456G>C (p.Gly486Arg)

Gene: FSCN2 (fascin actin-bundling protein 2, retinal; plus strand). Cytogenetic location: 17q25.3.
Variant type: single nucleotide variant.
Coding change: c.1456G>C on transcript NM_012418.4 (MANE Select); coding-DNA position 1456, G replaced by C.
Protein change: p.Gly486Arg; replaces glycine 486 with arginine.
Molecular consequence: missense variant.
Genome position (GRCh38, 1-based): chr17:81,537,057, G>C. VCF-style: chr17-81537057-G-C. GRCh37 (hg19) VCF-style: chr17-79504083-G-C.
Other names: c.1528G>C, p.Gly510Arg (NM_001077182.3); short protein forms G510R, G486R.
Identifiers: ClinVar variation 4704121 (VCV004704121.1).
Genomic context (GRCh38, chr17:81,537,057, plus strand): 5'-GGCAAGTACCTGCGCGGCGGCGCCTCGGGCCTGCTGCGGGCCGATGCCGACGCCCCGGCC[G>C]GGACCGCGCTTTGGGAGTACTGAGGCCGCGCCCAGACCAGCCTGTCGCGCATTAAAACCG-3'
Protein context (NP_036550.1, residues 476-492): LLRADADAPA[Gly486Arg]TALWEY

ClinVar aggregate classification (germline): Uncertain significance (1 of 4 stars; one submission).

gnomAD v4.1: 11 of 1,464,440 alleles (0.00075%); highest among the groups gnomAD compares: Non-Finnish European, 0.00099%; no homozygotes.

Submission:

Labcorp Genetics (formerly Invitae), Labcorp
Classification: Uncertain significance. Last evaluated: 2025-04-23. Review status: criteria provided, single submitter. Criteria: Invitae Variant Classification Sherloc (09022015). Collection method: clinical testing. Allele origin: germline.
Comment: This sequence change replaces glycine, which is neutral and non-polar, with arginine, which is basic and polar, at codon 510 of the FSCN2 protein (p.Gly510Arg). This variant is not present in population databases (gnomAD no frequency). This variant has not been reported in the literature in individuals affected with FSCN2-related conditions. An algorithm developed to predict the effect of missense changes on protein structure and function (PolyPhen-2) suggests that this variant is likely to be tolerated. In summary, the available evidence is currently insufficient to determine the role of this variant in disease. Therefore, it has been classified as a Variant of Uncertain Significance.